The following is an entry in ClinVar:

NM_021961.6(TEAD1):c.1168-10A>G

Gene: TEAD1 (TEA domain transcription factor 1; plus strand). Cytogenetic location: 11p15.3.
Variant type: single nucleotide variant.
Coding change: c.1168-10A>G on transcript NM_021961.6 (MANE Select); 10 bases into the intron before coding-DNA position 1168, A replaced by G.
Molecular consequence: intron variant.
Genome position (GRCh38, 1-based): chr11:12,937,099, A>G. VCF-style: chr11-12937099-A-G. GRCh37 (hg19) VCF-style: chr11-12958646-A-G.
Other names: c.1168-10A>G (NM_021961.5).
Identifiers: ClinVar variation 1101107 (VCV001101107.12), dbSNP rs118071160, ClinGen allele CA5891841.

ClinVar aggregate classification (germline): Likely benign. Review status: criteria provided, multiple submitters, no conflicts (2 of 4 stars). 3 submissions from 3 submitters: Likely benign (2). 1 of the submissions does not count toward it. Last evaluated 2025-12-14.

Conditions:
TEAD1-related disorder. Also called: TEAD1-related condition.

Allele frequency attached by ClinVar (database versions not stated): 1000 Genomes Project 30x 0.00016; 1000 Genomes Project 0.00020; ExAC 0.00023; gnomAD 0.00026; ESP Exome Variant Server 0.00031; TOPMed 0.00032.
gnomAD v4.1: 673 of 1,591,732 alleles (0.042%); highest among the groups gnomAD compares: Non-Finnish European, 0.054%; no homozygotes.

Submissions (3):

Labcorp Genetics (formerly Invitae), Labcorp
Classification: Likely benign. Last evaluated: 2025-12-14. Review status: criteria provided, single submitter. Criteria: Invitae Variant Classification Sherloc (09022015). Collection method: clinical testing. Allele origin: germline.

Blueprint Genetics
Classification: Likely benign. Last evaluated: 2024-04-17. Review status: criteria provided, single submitter. Criteria: ACMG Guidelines, 2015. Collection method: clinical testing. Allele origin: germline.

PreventionGenetics, part of Exact Sciences
Classification: Likely benign for TEAD1-related condition. Last evaluated: 2019-07-22. Review status: no assertion criteria provided. Collection method: clinical testing. Allele origin: germline. Not counted in ClinVar's aggregate classification.
Comment: This variant is classified as likely benign based on ACMG/AMP sequence variant interpretation guidelines (Richards et al. 2015 PMID: 25741868, with internal and published modifications).